The following is an entry in ClinVar:

ClinVar aggregate classification (germline): Benign/Likely benign. Review status: criteria provided, multiple submitters, no conflicts (2 of 4 stars). 24 submissions from 17 submitters: Benign (16); Likely benign (5). 3 of the submissions do not count toward it. Last evaluated 2026-02-04.

Conditions:
Dilated cardiomyopathy 1G (CMD1G). Identifiers: Orphanet 154, MedGen C1858763, MONDO:0011400, OMIM 604145.
Autosomal recessive limb-girdle muscular dystrophy type 2J (LGMDR10). Also called: MUSCULAR DYSTROPHY, LIMB-GIRDLE, AUTOSOMAL RECESSIVE 10; Limb-girdle muscular dystrophy, type 2J. Identifiers: Orphanet 140922, MedGen C1837342, MONDO:0012127, OMIM 608807.
Cardiovascular phenotype. Identifiers: MedGen CN230736.
Cardiomyopathy (CMYO). Also called: Cardiomyopathies. Identifiers: Orphanet 167848, MedGen C0878544, MONDO:0004994, HP:0001638. Inheritance: Various modes of inheritance.
Early-onset myopathy with fatal cardiomyopathy (CMYO5). Also called: CONGENITAL MYOPATHY 5 WITH CARDIOMYOPATHY; Salih Myopathy. Identifiers: Orphanet 289377, MedGen C2673677, MONDO:0012714, OMIM 611705. Disease mechanism: loss of function.
Myopathy, myofibrillar, 9, with early respiratory failure (MFM9). Also called: Myopathy, distal, with early respiratory failure, autosomal dominant; Hereditary myopathy with early respiratory failure; MYOPATHY, PROXIMAL, WITH EARLY RESPIRATORY MUSCLE INVOLVEMENT; EDSTROM MYOPATHY. Identifiers: Orphanet 178464, Orphanet 34521, MedGen C1863599, MONDO:0011362, OMIM 603689.
Tibial muscular dystrophy (TMD). Also called: Udd Distal Myopathy – Tibial Muscular Dystrophy; Tibial muscular dystrophy, tardive; UDD MYOPATHY. Identifiers: Orphanet 609, MedGen C1838244, MONDO:0010870, OMIM 600334.

Allele frequency attached by ClinVar (database versions not stated): gnomAD exomes 0.00062 and 0.00162; gnomAD 0.00621 and 0.00671; 1000 Genomes Project 30x 0.00750; TOPMed 0.00712; ExAC 0.00199; 1000 Genomes Project 0.00679; ESP Exome Variant Server 0.00824.
gnomAD v4.1: 1,879 of 1,613,616 alleles (0.12%); highest among the groups gnomAD compares: African/African-American, 2.2%; 21 homozygotes.

Submissions (24):

Labcorp Genetics (formerly Invitae), Labcorp
Classification: Benign for Dilated cardiomyopathy 1G; Autosomal recessive limb-girdle muscular dystrophy type 2J. Last evaluated: 2026-02-04. Review status: criteria provided, single submitter. Criteria: Invitae Variant Classification Sherloc (09022015). Collection method: clinical testing. Allele origin: germline.

Molecular Diagnostic Laboratory for Inherited Cardiovascular Disease, Montreal Heart Institute
Classification: Benign. Last evaluated: 2025-04-09. Review status: criteria provided, single submitter. Criteria: ACMG Guidelines, 2015. Collection method: clinical testing. Allele origin: germline. Affected: no.

ARUP Laboratories, Molecular Genetics and Genomics, ARUP Laboratories
Classification: Benign. Last evaluated: 2025-04-08. Review status: criteria provided, single submitter. Criteria: ARUP Molecular Germline Variant Investigation Process 2024. Collection method: clinical testing. Allele origin: germline.

Blueprint Genetics
Classification: Likely benign. Last evaluated: 2024-11-13. Review status: criteria provided, single submitter. Criteria: ACMG Guidelines, 2015. Collection method: clinical testing. Allele origin: germline.

Mayo Clinic Laboratories, Mayo Clinic
Classification: Benign. Last evaluated: 2022-09-29. Review status: criteria provided, single submitter. Criteria: ACMG Guidelines, 2015. Collection method: clinical testing. Allele origin: germline. Observed: 12 variant alleles.
Comment: BS1, BS2, BP4, BP7

Genome-Nilou Lab
Classification: Benign for Tibial muscular dystrophy. Last evaluated: 2021-09-10. Review status: criteria provided, single submitter. Criteria: ACMG Guidelines, 2015. Collection method: clinical testing. Allele origin: germline. Affected: no.

Genome-Nilou Lab
Classification: Benign for Autosomal recessive limb-girdle muscular dystrophy type 2J. Last evaluated: 2021-09-10. Review status: criteria provided, single submitter. Criteria: ACMG Guidelines, 2015. Collection method: clinical testing. Allele origin: germline. Affected: no.

Genome-Nilou Lab
Classification: Benign for Myopathy, myofibrillar, 9, with early respiratory failure. Last evaluated: 2021-09-10. Review status: criteria provided, single submitter. Criteria: ACMG Guidelines, 2015. Collection method: clinical testing. Allele origin: germline. Affected: no.

Genome-Nilou Lab
Classification: Benign for Early-onset myopathy with fatal cardiomyopathy. Last evaluated: 2021-09-10. Review status: criteria provided, single submitter. Criteria: ACMG Guidelines, 2015. Collection method: clinical testing. Allele origin: germline. Affected: no.

Women's Health and Genetics/Laboratory Corporation of America, LabCorp
Classification: Benign. Last evaluated: 2020-04-12. Review status: criteria provided, single submitter. Criteria: LabCorp Variant Classification Summary - May 2015. Collection method: clinical testing. Allele origin: germline.

Athena Diagnostics
Classification: Benign. Last evaluated: 2019-11-07. Review status: criteria provided, single submitter. Criteria: Athena Diagnostics Criteria. Collection method: clinical testing. Allele origin: unknown.

Illumina Laboratory Services, Illumina
Classification: Likely benign for Dilated cardiomyopathy 1G. Last evaluated: 2018-01-12. Review status: criteria provided, single submitter. Criteria: ICSL Variant Classification Criteria 13 December 2019. Collection method: clinical testing. Allele origin: germline.
Comment: This variant was observed in the ICSL laboratory as part of a predisposition screen in an ostensibly healthy population. It had not been previously curated by ICSL or reported in the Human Gene Mutation Database (HGMD: prior to June 1st, 2018), and was therefore a candidate for classification through an automated scoring system. Utilizing variant allele frequency, disease prevalence and penetrance estimates, and inheritance mode, an automated score was calculated to assess if this variant is too frequent to cause the disease. Based on the score and internal cut-off values, a variant classified as likely benign is not then subjected to further curation. The score for this variant resulted in a classification of likely benign for this disease.

Illumina Laboratory Services, Illumina
Classification: Likely benign for Autosomal recessive limb-girdle muscular dystrophy type 2J. Last evaluated: 2018-01-12. Review status: criteria provided, single submitter. Criteria: ICSL Variant Classification Criteria 13 December 2019. Collection method: clinical testing. Allele origin: germline.
Comment: the same text as in the submission from Illumina Laboratory Services, Illumina above.

Illumina Laboratory Services, Illumina
Classification: Benign for Myopathy, myofibrillar, 9, with early respiratory failure. Last evaluated: 2018-01-12. Review status: criteria provided, single submitter. Criteria: ICSL Variant Classification Criteria 13 December 2019. Collection method: clinical testing. Allele origin: germline.
Comment: This variant was observed in the ICSL laboratory as part of a predisposition screen in an ostensibly healthy population. It had not been previously curated by ICSL or reported in the Human Gene Mutation Database (HGMD: prior to June 1st, 2018), and was therefore a candidate for classification through an automated scoring system. Utilizing variant allele frequency, disease prevalence and penetrance estimates, and inheritance mode, an automated score was calculated to assess if this variant is too frequent to cause the disease. Based on the score and internal cut-off values, a variant classified as benign is not then subjected to further curation. The score for this variant resulted in a classification of benign for this disease.

Illumina Laboratory Services, Illumina
Classification: Likely benign for Early-onset myopathy with fatal cardiomyopathy. Last evaluated: 2018-01-12. Review status: criteria provided, single submitter. Criteria: ICSL Variant Classification Criteria 13 December 2019. Collection method: clinical testing. Allele origin: germline.
Comment: the same text as in the submission from Illumina Laboratory Services, Illumina above.

Illumina Laboratory Services, Illumina
Classification: Benign for Tibial muscular dystrophy. Last evaluated: 2018-01-12. Review status: criteria provided, single submitter. Criteria: ICSL Variant Classification Criteria 13 December 2019. Collection method: clinical testing. Allele origin: germline.
Comment: the same text as in the submission from Illumina Laboratory Services, Illumina above.

CHEO Genetics Diagnostic Laboratory, Children's Hospital of Eastern Ontario
Classification: Benign for Cardiomyopathy. Last evaluated: 2017-09-11. Review status: criteria provided, single submitter. Criteria: ACMG Guidelines, 2015. Collection method: clinical testing. Allele origin: germline. Study: Canadian Open Genetics Repository.

GeneDx
Classification: Benign. Last evaluated: 2014-03-14. Review status: criteria provided, single submitter. Criteria: GeneDx Variant Classification (06012015). Collection method: clinical testing. Allele origin: germline. Affected: yes.
Comment: This variant is considered likely benign or benign based on one or more of the following criteria: it is a conservative change, it occurs at a poorly conserved position in the protein, it is predicted to be benign by multiple in silico algorithms, and/or has population frequency not consistent with disease.

Ambry Genetics
Classification: Benign for Cardiovascular phenotype. Last evaluated: 2013-09-13. Review status: criteria provided, single submitter. Criteria: Ambry Autosomal Dominant and X-Linked criteria (10/2015). Collection method: clinical testing. Allele origin: germline. Observed: 1 variant allele.

Laboratory for Molecular Medicine, Mass General Brigham Personalized Medicine
Classification: Benign. Last evaluated: 2012-07-10. Review status: criteria provided, single submitter. Criteria: LMM Criteria. Collection method: clinical testing. Allele origin: germline. Observed: 10 variant alleles.
Comment: p.Thr24451Thr in Exon 275 of TTN: This variant is not expected to have clinical significance because it does not alter an amino acid residue, is not located wit hin the splice consensus sequence and has been identified in 2.5% (80/3178) of A frican American chromosomes from a broad population by the NHLBI Exome Sequencin g Project (dbSNP rs114908705).

Breakthrough Genomics
Classification: Likely benign. Review status: criteria provided, single submitter. Criteria: ACMG Guidelines, 2015. Collection method: not provided. Allele origin: germline. Inheritance: Autosomal recessive inheritance. Affected: yes.

Clinical Genetics DNA and cytogenetics Diagnostics Lab, Erasmus MC, Erasmus Medical Center
Classification: Benign. Review status: no assertion criteria provided. Collection method: clinical testing. Allele origin: germline. Affected: yes. Study: VKGL Data-share Consensus. Not counted in ClinVar's aggregate classification.

Clinical Genetics, Academic Medical Center
Classification: Benign. Review status: no assertion criteria provided. Collection method: clinical testing. Allele origin: germline. Affected: yes. Study: VKGL Data-share Consensus. Not counted in ClinVar's aggregate classification.

Diagnostic Laboratory, Department of Genetics, University Medical Center Groningen
Classification: Likely benign. Review status: no assertion criteria provided. Collection method: clinical testing. Allele origin: germline. Affected: yes. Study: VKGL Data-share Consensus. Not counted in ClinVar's aggregate classification.

NM_001267550.2(TTN):c.81057T>C (p.Thr27019=)

Genes: TTN (titin; minus strand), TTN-AS1 (TTN antisense RNA 1; plus strand). Cytogenetic location: 2q31.2.
Variant type: single nucleotide variant.
Coding change: c.81057T>C on transcript NM_001267550.2 (MANE Select); coding-DNA position 81057, T replaced by C.
Protein change: p.Thr27019=; no amino-acid change (threonine 27019 retained).
Molecular consequence: synonymous variant.
Genome position (GRCh38, 1-based): chr2:178,565,075, A>G on the plus strand (T>C on the coding strand, the complement: TTN is on the minus strand). VCF-style: chr2-178565075-A-G. GRCh37 (hg19) VCF-style: chr2-179429802-A-G.
Other names: p.T24451T:ACT>ACC; p.Thr25378=; c.76134T>C, p.Thr25378= (NM_001256850.1); c.53862T>C, p.Thr17954= (NM_003319.4); c.73353T>C, p.Thr24451= (NM_133378.4); c.54237T>C, p.Thr18079= (NM_133432.3); c.54438T>C, p.Thr18146= (NM_133437.4).
Identifiers: ClinVar variation 47394 (VCV000047394.39), dbSNP rs114908705, ClinGen allele CA283869.